The following is an entry in ClinVar:

NM_199420.4(POLQ):c.4840A>G (p.Arg1614Gly)

Gene: POLQ (DNA polymerase theta; minus strand). Cytogenetic location: 3q13.33.
Variant type: single nucleotide variant.
Coding change: c.4840A>G on transcript NM_199420.4 (MANE Select); coding-DNA position 4840, A replaced by G.
Protein change: p.Arg1614Gly; replaces arginine 1614 with glycine.
Molecular consequence: missense variant.
Genome position (GRCh38, 1-based): chr3:121,488,091, T>C on the plus strand (A>G on the coding strand, the complement: POLQ is on the minus strand). VCF-style: chr3-121488091-T-C. GRCh37 (hg19) VCF-style: chr3-121206938-T-C.
Other names: short protein forms R1614G.
Identifiers: ClinVar variation 3422631 (VCV003422631.1).

ClinVar aggregate classification (germline): Uncertain significance (1 of 4 stars; one submission).

Submission:

Ambry Genetics
Classification: Uncertain significance. Last evaluated: 2024-10-29. Review status: criteria provided, single submitter. Criteria: Ambry Variant Classification Scheme 2023. Collection method: clinical testing. Allele origin: germline.
Comment: The p.R1614G variant (also known as c.4840A>G), located in coding exon 16 of the POLQ gene, results from an A to G substitution at nucleotide position 4840. The arginine at codon 1614 is replaced by glycine, an amino acid with dissimilar properties. This amino acid position is conserved. In addition, this alteration is predicted to be tolerated by in silico analysis. Based on the available evidence, the clinical significance of this variant remains unclear.